The following is an entry in ClinVar:

ClinVar aggregate classification (germline): Uncertain significance (1 of 4 stars; one submission).

Conditions:
Inborn genetic diseases. Identifiers: MedGen C0950123, MeSH D030342.

Submission:

Ambry Genetics
Classification: Uncertain significance for Inborn genetic diseases. Last evaluated: 2025-12-29. Review status: criteria provided, single submitter. Criteria: Ambry Variant Classification Scheme 2023. Collection method: clinical testing. Allele origin: germline.
Comment: The c.1732+1G>A intronic variant results from a G to A substitution one nucleotide after coding exon 16 of the DDX41 gene. This alteration occurs at the 3' terminus of the gene, is not expected to trigger nonsense-mediated mRNA decay, and only impacts the last 9% of the protein. The exact functional effect of this alteration is unknown. In silico splice site analysis predicts that this alteration will weaken the native splice donor site and may result in the creation or strengthening of a novel splice donor site; however, direct evidence is insufficient at this time (Ambry internal data). This nucleotide position is highly conserved in available vertebrate species. Based on the available evidence, the clinical significance of this variant remains unclear.

NM_016222.4(DDX41):c.1732+1G>A

Gene: DDX41 (DEAD-box helicase 41; minus strand). Cytogenetic location: 5q35.3.
Variant type: single nucleotide variant.
Coding change: c.1732+1G>A on transcript NM_016222.4 (MANE Select); the canonical splice donor site of the intron after coding-DNA position 1732, G replaced by A.
Molecular consequence: splice donor variant.
Genome position (GRCh38, 1-based): chr5:177,512,095, C>T on the plus strand (G>A on the coding strand, the complement: DDX41 is on the minus strand). VCF-style: chr5-177512095-C-T. GRCh37 (hg19) VCF-style: chr5-176939096-C-T.
Other names: c.1354+1G>A (NM_001321830.2, NM_001321732.2).
Identifiers: ClinVar variation 4841783 (VCV004841783.1).